The following is an entry in ClinVar:

NM_025257.3(SLC44A4):c.1462A>T (p.Ile488Phe)

Gene: SLC44A4 (solute carrier family 44 member 4; minus strand). Cytogenetic location: 6p21.33.
Variant type: single nucleotide variant.
Coding change: c.1462A>T on transcript NM_025257.3 (MANE Select); coding-DNA position 1462, A replaced by T.
Protein change: p.Ile488Phe; replaces isoleucine 488 with phenylalanine.
Molecular consequence: missense variant.
Genome position (GRCh38, 1-based): chr6:31,865,898, T>A on the plus strand (A>T on the coding strand, the complement: SLC44A4 is on the minus strand). VCF-style: chr6-31865898-T-A. GRCh37 (hg19) VCF-style: chr6-31833675-T-A.
Other names: c.1336A>T, p.Ile446Phe (NM_001178044.2); c.1234A>T, p.Ile412Phe (NM_001178045.2); c.1462A>T, p.Ile488Phe (NM_032794.1); c.1462A>T (NM_025257.2); short protein forms I446F, I412F, I488F.
Identifiers: ClinVar variation 2175835 (VCV002175835.3), dbSNP rs200796447, ClinGen allele CA3725398.

ClinVar aggregate classification (germline): Uncertain significance. Review status: criteria provided, multiple submitters, no conflicts (2 of 4 stars). 2 submissions from 2 submitters: Uncertain significance (2). Last evaluated 2025-10-07.

Allele frequency attached by ClinVar (database versions not stated): ExAC 0.00010; gnomAD 0.00015; TOPMed 0.00017; gnomAD exomes 0.00024; ESP Exome Variant Server 0.00038.
gnomAD v4.1: 373 of 1,613,648 alleles (0.023%); highest among the groups gnomAD compares: Non-Finnish European, 0.03%; no homozygotes.

Submissions (2):

Labcorp Genetics (formerly Invitae), Labcorp
Classification: Uncertain significance. Last evaluated: 2025-10-07. Review status: criteria provided, single submitter. Criteria: Invitae Variant Classification Sherloc (09022015). Collection method: clinical testing. Allele origin: germline.
Comment: This sequence change replaces isoleucine, which is neutral and non-polar, with phenylalanine, which is neutral and non-polar, at codon 488 of the SLC44A4 protein (p.Ile488Phe). This variant is present in population databases (rs200796447, gnomAD 0.02%). This variant has not been reported in the literature in individuals affected with SLC44A4-related conditions. ClinVar contains an entry for this variant (Variation ID: 2175835). Invitae Evidence Modeling of protein sequence and biophysical properties (such as structural, functional, and spatial information, amino acid conservation, physicochemical variation, residue mobility, and thermodynamic stability) indicates that this missense variant is not expected to disrupt SLC44A4 protein function with a negative predictive value of 80%. In summary, the available evidence is currently insufficient to determine the role of this variant in disease. Therefore, it has been classified as a Variant of Uncertain Significance.

Ambry Genetics
Classification: Uncertain significance. Last evaluated: 2023-12-13. Review status: criteria provided, single submitter. Criteria: Ambry Variant Classification Scheme 2023. Collection method: clinical testing. Allele origin: germline.